The following is an entry in ClinVar:

NC_000001.10:g.(?_33276172)_(33276678_?)del

Gene: YARS1 (tyrosyl-tRNA synthetase 1; minus strand). Cytogenetic location: 1p35.1.
Variant type: Deletion.
Identifiers: ClinVar variation 1681334 (VCV001681334.5).

ClinVar aggregate classification (germline): Uncertain significance (1 of 4 stars; one submission).

Conditions:
Charcot-Marie-Tooth disease dominant intermediate C (CMTDIC). Also called: CHARCOT-MARIE-TOOTH NEUROPATHY, DOMINANT INTERMEDIATE C. Identifiers: Orphanet 100045, MedGen C1842237, MONDO:0012012, OMIM 608323.

Submission:

Labcorp Genetics (formerly Invitae), Labcorp
Classification: Uncertain significance for Charcot-Marie-Tooth disease dominant intermediate C. Last evaluated: 2023-02-27. Review status: criteria provided, single submitter. Criteria: Invitae Variant Classification Sherloc (09022015). Collection method: clinical testing. Allele origin: germline.
Comment: This sequence change creates a premature translational stop signal (Deletion (Exons 2-3)) in the YARS gene. It is expected to result in an absent or disrupted protein product. However, the current clinical and genetic evidence is not sufficient to establish whether loss-of-function variants in YARS cause disease. This variant has not been reported in the literature in individuals affected with YARS-related conditions. In summary, the available evidence is currently insufficient to determine the role of this variant in disease. Therefore, it has been classified as a Variant of Uncertain Significance.